The following is an entry in ClinVar:

NM_033159.4(HYAL1):c.455G>A (p.Arg152Gln)

Gene: HYAL1 (hyaluronidase 1; minus strand). Cytogenetic location: 3p21.31.
Variant type: single nucleotide variant.
Coding change: c.455G>A on transcript NM_033159.4 (MANE Select); coding-DNA position 455, G replaced by A.
Protein change: p.Arg152Gln; replaces arginine 152 with glutamine.
Molecular consequence: missense variant. On other transcripts: 5 prime UTR variant (1), non-coding transcript variant (1), intron variant (1).
Genome position (GRCh38, 1-based): chr3:50,302,502, C>T on the plus strand (G>A on the coding strand, the complement: HYAL1 is on the minus strand). VCF-style: chr3-50302502-C-T. GRCh37 (hg19) VCF-style: chr3-50339933-C-T.
Other names: c.455G>A, p.Arg152Gln (NM_153281.2, NM_153282.3); c.-92G>A (NM_153283.3); c.-26-297G>A (NM_153285.3); short protein forms R152Q.
Identifiers: ClinVar variation 1513986 (VCV001513986.5), dbSNP rs781929111, ClinGen allele CA352894173.
Genomic context (GRCh38, chr3:50,302,502, plus strand): 5'-TGGGCTACTGCCTCCACCTGAGGAGCTGGCCAATCAGGGTGCTGTGCCTGTACCAGTGCC[C>T]GTGAGCGCTGCCGGTAAATGTCCTTGGTGTCCCAGTTGAAGGCCCAGCGTGGGCGCCATG-3'
Protein context (NP_149349.2, residues 142-162): DTKDIYRQRS[Arg152Gln]ALVQAQHPDW

ClinVar aggregate classification (germline): Uncertain significance (1 of 4 stars; one submission).

Conditions:
Deficiency of hyaluronoglucosaminidase (MPS9). Also called: MPS IX; Mucopolysaccharidosis type 9; HYALURONIDASE DEFICIENCY. Identifiers: Orphanet 67041, MedGen C1291490, MONDO:0011093, OMIM 601492.

gnomAD v4.1: 13 of 1,614,072 alleles (0.00081%); highest among the groups gnomAD compares: Middle Eastern, 0.016%; no homozygotes.

Submission:

Labcorp Genetics (formerly Invitae), Labcorp
Classification: Uncertain significance for Deficiency of hyaluronoglucosaminidase. Last evaluated: 2021-09-24. Review status: criteria provided, single submitter. Criteria: Invitae Variant Classification Sherloc (09022015). Collection method: clinical testing. Allele origin: germline.
Comment: This sequence change replaces arginine with glutamine at codon 152 of the HYAL1 protein (p.Arg152Gln). The arginine residue is weakly conserved and there is a small physicochemical difference between arginine and glutamine. This variant is not present in population databases (ExAC no frequency). This variant has not been reported in the literature in individuals with HYAL1-related conditions. Algorithms developed to predict the effect of missense changes on protein structure and function output the following: SIFT: "Tolerated"; PolyPhen-2: "Benign"; Align-GVGD: "Class C0". The glutamine amino acid residue is found in multiple mammalian species, suggesting that this missense change does not adversely affect protein function. These predictions have not been confirmed by published functional studies and their clinical significance is uncertain. In summary, the available evidence is currently insufficient to determine the role of this variant in disease. Therefore, it has been classified as a Variant of Uncertain Significance.